The following is an entry in ClinVar:

ClinVar aggregate classification (germline): Likely pathogenic (1 of 4 stars; one submission).

Conditions:
Intellectual developmental disorder, autosomal dominant 45. Also called: MENTAL RETARDATION, AUTOSOMAL DOMINANT 45; Intellectual disability, autosomal dominant 45. Identifiers: MedGen C4539848, MONDO:0030910, OMIM 617600.

Submission:

Greenwood Genetic Center Diagnostic Laboratories, Greenwood Genetic Center
Classification: Likely pathogenic for Intellectual developmental disorder, autosomal dominant 45. Last evaluated: 2022-01-18. Review status: criteria provided, single submitter. Criteria: ACMG Guidelines, 2015. Collection method: clinical testing. Allele origin: germline. Affected: yes.
Comment: PVS1, PM2

NM_001386298.1(CIC):c.6344del (p.Gln2115fs)

Gene: CIC (capicua transcriptional repressor; plus strand). Cytogenetic location: 19q13.2.
Variant type: Deletion.
Coding change: c.6344del on transcript NM_001386298.1 (MANE Select); coding-DNA position 6344, one base deleted (A; older notation c.6344delA).
Protein change: p.Gln2115fs; shifts the reading frame from glutamine 2115.
Molecular consequence: frameshift variant.
Genome position (GRCh38, 1-based): chr19:42,293,103, A deleted. VCF-style (leftmost placement, unchanged base first): chr19-42293102-CA-C. GRCh37 (hg19) VCF-style: chr19-42797254-CA-C.
Other names: c.6344del, p.Gln2115fs (NM_001304815.2, NM_001379482.1); c.6341del, p.Gln2114fs (NM_001379480.1); c.3617del, p.Gln1206fs (NM_001379484.1, NM_001379485.1, NM_015125.5); c.3617delA, p.Gln1206Argfs (NM_015125.4); short protein forms Q1206fs, Q2114fs, Q2115fs.
Identifiers: ClinVar variation 1676528 (VCV001676528.3), dbSNP rs2147320674, ClinGen allele CA2573156423.